The following is an entry in ClinVar:

NM_001322934.2(NFKB2):c.1684T>A (p.Ser562Thr)

Gene: NFKB2 (nuclear factor kappa B subunit 2; plus strand). Cytogenetic location: 10q24.32.
Variant type: single nucleotide variant.
Coding change: c.1684T>A on transcript NM_001322934.2 (MANE Select); coding-DNA position 1684, T replaced by A.
Protein change: p.Ser562Thr; replaces serine 562 with threonine.
Molecular consequence: missense variant.
Genome position (GRCh38, 1-based): chr10:102,400,377, T>A. VCF-style: chr10-102400377-T-A. GRCh37 (hg19) VCF-style: chr10-104160134-T-A.
Other names: c.1684T>A, p.Ser562Thr (NM_001077493.1, NM_001077494.3, NM_001261403.3 and 2 more transcripts); c.1558T>A, p.Ser520Thr (NM_001322935.1); short protein forms S520T, S562T.
Identifiers: ClinVar variation 2726256 (VCV002726256.3), dbSNP rs534606952, ClinGen allele CA5664874.

ClinVar aggregate classification (germline): Uncertain significance (1 of 4 stars; one submission).

Conditions:
Immunodeficiency, common variable, 10. Also called: DEFICIT IN ANTERIOR PITUITARY FUNCTION AND VARIABLE IMMUNODEFICIENCY; IMMUNODEFICIENCY, COMMON VARIABLE, WITH CENTRAL ADRENAL INSUFFICIENCY. Identifiers: MedGen C3809991, MONDO:0014260, OMIM 615577.

Allele frequency attached by ClinVar (database versions not stated): gnomAD 0.00001; gnomAD exomes 0.00001; ExAC 0.00002; TOPMed 0.00002; 1000 Genomes Project 0.00020; 1000 Genomes Project 30x 0.00031.
gnomAD v4.1: 6 of 1,613,702 alleles (0.00037%); highest among the groups gnomAD compares: East Asian, 0.013%; no homozygotes.

Submission:

Labcorp Genetics (formerly Invitae), Labcorp
Classification: Uncertain significance for Immunodeficiency, common variable, 10. Last evaluated: 2023-12-15. Review status: criteria provided, single submitter. Criteria: Invitae Variant Classification Sherloc (09022015). Collection method: clinical testing. Allele origin: germline.
Comment: This sequence change replaces serine, which is neutral and polar, with threonine, which is neutral and polar, at codon 562 of the NFKB2 protein (p.Ser562Thr). This variant is present in population databases (rs534606952, gnomAD 0.02%). This variant has not been reported in the literature in individuals affected with NFKB2-related conditions. An algorithm developed to predict the effect of missense changes on protein structure and function (PolyPhen-2) suggests that this variant is likely to be tolerated. In summary, the available evidence is currently insufficient to determine the role of this variant in disease. Therefore, it has been classified as a Variant of Uncertain Significance.